The following is an entry in ClinVar:

ClinVar aggregate classification (germline): Uncertain significance (1 of 4 stars; one submission).

gnomAD v4.1: 10 of 1,613,204 alleles (0.00062%); highest among the groups gnomAD compares: Non-Finnish European, 0.00085%; no homozygotes.

Submission:

Mayo Clinic Laboratories, Mayo Clinic
Classification: Uncertain significance. Last evaluated: 2025-10-03. Review status: criteria provided, single submitter. Criteria: ACMG Guidelines, 2015. Collection method: clinical testing. Allele origin: germline. Observed: 1 variant allele.
Comment: BS2

NM_001164760.2(PRKAR1B):c.265C>G (p.Pro89Ala)

Gene: PRKAR1B (protein kinase cAMP-dependent type I regulatory subunit beta; minus strand). Cytogenetic location: 7p22.3.
Variant type: single nucleotide variant.
Coding change: c.265C>G on transcript NM_001164760.2 (MANE Select); coding-DNA position 265, C replaced by G.
Protein change: p.Pro89Ala; replaces proline 89 with alanine.
Molecular consequence: missense variant.
Genome position (GRCh38, 1-based): chr7:680,639, G>C on the plus strand (C>G on the coding strand, the complement: PRKAR1B is on the minus strand). VCF-style: chr7-680639-G-C. GRCh37 (hg19) VCF-style: chr7-720276-G-C.
Other names: p.Pro89Ala; c.265C>G, p.Pro89Ala (NM_001164758.2, NM_001164759.1, NM_001164761.2 and 2 more transcripts); short protein forms P89A.
Identifiers: ClinVar variation 4541248 (VCV004541248.1).
Genomic context (GRCh38, chr7:680,639, plus strand): 5'-CCTCCTCGGTGTACACCTCGGCACTCACGCCTCCTCGCCGGCGGCGGGCCTTCACCACAG[G>C]GTTCGGGGGGGTGGGCGACACCTCCTCATCATGGGAGTCCGACTGTGAGTTTGACTTTTG-3'
Protein context (NP_001158232.1, residues 79-99): DEEVSPTPPN[Pro89Ala]VVKARRRRGG